The following is an entry in ClinVar:

ClinVar aggregate classification (germline): Uncertain significance (1 of 4 stars; one submission).

Conditions:
Usher syndrome type 3B. Also called: USHER SYNDROME, TYPE IIIB. Identifiers: MedGen C3281066, MONDO:0013788, OMIM 614504.

Submission:

Labcorp Genetics (formerly Invitae), Labcorp
Classification: Uncertain significance for Usher syndrome type 3B. Last evaluated: 2024-06-22. Review status: criteria provided, single submitter. Criteria: Invitae Variant Classification Sherloc (09022015). Collection method: clinical testing. Allele origin: germline.
Comment: This sequence change replaces threonine, which is neutral and polar, with asparagine, which is neutral and polar, at codon 310 of the HARS protein (p.Thr310Asn). This variant is not present in population databases (gnomAD no frequency). This variant has not been reported in the literature in individuals affected with HARS-related conditions. Advanced modeling of protein sequence and biophysical properties (such as structural, functional, and spatial information, amino acid conservation, physicochemical variation, residue mobility, and thermodynamic stability) performed at Invitae indicates that this missense variant is not expected to disrupt HARS protein function with a negative predictive value of 80%. In summary, the available evidence is currently insufficient to determine the role of this variant in disease. Therefore, it has been classified as a Variant of Uncertain Significance.

NM_002109.6(HARS1):c.929C>A (p.Thr310Asn)

Gene: HARS1 (histidyl-tRNA synthetase 1; minus strand). Cytogenetic location: 5q31.3.
Variant type: single nucleotide variant.
Coding change: c.929C>A on transcript NM_002109.6 (MANE Select); coding-DNA position 929, C replaced by A.
Protein change: p.Thr310Asn; replaces threonine 310 with asparagine.
Molecular consequence: missense variant.
Genome position (GRCh38, 1-based): chr5:140,677,011, G>T on the plus strand (C>A on the coding strand, the complement: HARS1 is on the minus strand). VCF-style: chr5-140677011-G-T. GRCh37 (hg19) VCF-style: chr5-140056596-G-T.
Other names: c.809C>A, p.Thr270Asn (NM_001258040.3); c.869C>A, p.Thr290Asn (NM_001258041.3); c.749C>A, p.Thr250Asn (NM_001258042.3); c.707C>A, p.Thr236Asn (NM_001289092.2); c.587C>A, p.Thr196Asn (NM_001289093.2); c.842C>A, p.Thr281Asn (NM_001289094.2); short protein forms T236N, T270N, T290N, T250N, T281N, T310N, T196N.
Identifiers: ClinVar variation 3657500 (VCV003657500.2).
Genomic context (GRCh38, chr5:140,677,011, plus strand): 5'-CAGAGCTCAGAAGGGATCCCGTCCCCAACTTGACTCACTTTGTCATCAATGCCAAATAGG[G>T]TCAGGTACTCAAAGAGCAACTTCAGGTCTCCCAGGCCCTCCAAGGCCTGCTTGTTTTGGG-3'
Protein context (NP_002100.2, residues 300-320): GDLKLLFEYL[Thr310Asn]LFGIDDKISF